The following is an entry in ClinVar:

NM_015355.4(SUZ12):c.2086C>T (p.Pro696Ser)

Gene: SUZ12 (SUZ12 polycomb repressive complex 2 subunit; plus strand). Cytogenetic location: 17q11.2.
Variant type: single nucleotide variant.
Coding change: c.2086C>T on transcript NM_015355.4 (MANE Select); coding-DNA position 2086, C replaced by T.
Protein change: p.Pro696Ser; replaces proline 696 with serine.
Molecular consequence: missense variant.
Genome position (GRCh38, 1-based): chr17:31,998,869, C>T. VCF-style: chr17-31998869-C-T. GRCh37 (hg19) VCF-style: chr17-30325888-C-T.
Other names: c.2017C>T, p.Pro673Ser (NM_001321207.2); short protein forms P673S, P696S.
Identifiers: ClinVar variation 3027192 (VCV003027192.22), dbSNP rs371837628, ClinGen allele CA8489879.

ClinVar aggregate classification (germline): Likely benign (1 of 4 stars; one submission).

Allele frequency attached by ClinVar (database versions not stated): TOPMed below 0.00001; gnomAD 0.00001; gnomAD exomes 0.00001; ExAC 0.00002; ESP Exome Variant Server 0.00008.
gnomAD v4.1: 16 of 1,613,380 alleles (0.00099%); highest among the groups gnomAD compares: East Asian, 0.0045%; no homozygotes.

Submission:

CeGaT Center for Human Genetics Tuebingen
Classification: Likely benign. Last evaluated: 2024-08-01. Review status: criteria provided, single submitter. Criteria: CeGaT Center For Human Genetics Tuebingen Variant Classification Criteria Version 2. Collection method: clinical testing. Allele origin: germline. Affected: yes. Observed: 1 variant allele.
Comment: SUZ12: BP4